The following is an entry in ClinVar:

NM_001352514.2(HLCS):c.2122-30G>A

Gene: HLCS (holocarboxylase synthetase; minus strand). Cytogenetic location: 21q22.13.
Variant type: single nucleotide variant.
Coding change: c.2122-30G>A on transcript NM_001352514.2 (MANE Select); 30 bases into the intron before coding-DNA position 2122, G replaced by A.
Molecular consequence: intron variant.
Genome position (GRCh38, 1-based): chr21:36,759,871, C>T on the plus strand (G>A on the coding strand, the complement: HLCS is on the minus strand). VCF-style: chr21-36759871-C-T. GRCh37 (hg19) VCF-style: chr21-38132172-C-T.
Other names: c.1681-30G>A (NM_001352517.1, NM_001242785.2, NM_001352515.2 and 4 more transcripts).
Identifiers: ClinVar variation 256035 (VCV000256035.6), dbSNP rs2073420, ClinGen allele CA10020356.

ClinVar aggregate classification (germline): Benign. Review status: criteria provided, multiple submitters, no conflicts (2 of 4 stars). 4 submissions from 4 submitters: Benign (4). Last evaluated 2021-06-10.

Conditions:
Holocarboxylase synthetase deficiency. Also called: MULTIPLE CARBOXYLASE DEFICIENCY, EARLY ONSET. Identifiers: Orphanet 79242, MedGen C0268581, MONDO:0009666, OMIM 253270.

Allele frequency attached by ClinVar (database versions not stated): 1000 Genomes Project 30x 0.37742; 1000 Genomes Project 0.38299; TOPMed 0.40676; gnomAD 0.40931 and 0.41239; ESP Exome Variant Server 0.42565.
gnomAD v4.1: 635,118 of 1,394,790 alleles (46%); highest among the groups gnomAD compares: South Asian, 55%; 147,121 homozygotes.

Submissions (4):

Genome-Nilou Lab
Classification: Benign for Holocarboxylase synthetase deficiency. Last evaluated: 2021-06-10. Review status: criteria provided, single submitter. Criteria: ACMG Guidelines, 2015. Collection method: clinical testing. Allele origin: germline. Affected: no.

GeneDx
Classification: Benign. Last evaluated: 2018-06-14. Review status: criteria provided, single submitter. Criteria: GeneDx Variant Classification (06012015). Collection method: clinical testing. Allele origin: germline. Affected: yes.
Comment: This variant is considered likely benign or benign based on one or more of the following criteria: it is a conservative change, it occurs at a poorly conserved position in the protein, it is predicted to be benign by multiple in silico algorithms, and/or has population frequency not consistent with disease.

Breakthrough Genomics
Classification: Benign. Review status: criteria provided, single submitter. Criteria: ACMG Guidelines, 2015. Collection method: not provided. Allele origin: germline. Inheritance: Autosomal recessive inheritance. Affected: yes.

PreventionGenetics, part of Exact Sciences
Classification: Benign. Review status: criteria provided, single submitter. Criteria: ACMG Guidelines, 2015. Collection method: clinical testing. Allele origin: germline.